The following is an entry in ClinVar:

NM_199420.4(POLQ):c.373G>A (p.Ala125Thr)

Gene: POLQ (DNA polymerase theta; minus strand). Cytogenetic location: 3q13.33.
Variant type: single nucleotide variant.
Coding change: c.373G>A on transcript NM_199420.4 (MANE Select); coding-DNA position 373, G replaced by A.
Protein change: p.Ala125Thr; replaces alanine 125 with threonine.
Molecular consequence: missense variant.
Genome position (GRCh38, 1-based): chr3:121,541,450, C>T on the plus strand (G>A on the coding strand, the complement: POLQ is on the minus strand). VCF-style: chr3-121541450-C-T. GRCh37 (hg19) VCF-style: chr3-121260297-C-T.
Other names: short protein forms A125T.
Identifiers: ClinVar variation 1734461 (VCV001734461.2), dbSNP rs1337388677, ClinGen allele CA354093394.
Genomic context (GRCh38, chr3:121,541,450, plus strand): 5'-GAAGAATAAACAAAGCTTTCTTCCGCATTTCCAAAACCCGCTTCAAAATAAGTAATTCTG[C>T]CACAAGAGTCTTCCCAGCACTTGTAGGAGCTAAAACATGATTATTCCACAAGATTATAAG-3'
Protein context (NP_955452.3, residues 115-135): APTSAGKTLV[Ala125Thr]ELLILKRVLE

ClinVar aggregate classification (germline): Uncertain significance (1 of 4 stars; one submission).

Allele frequency attached by ClinVar (database versions not stated): gnomAD exomes below 0.00001.
gnomAD v4.1: 6 of 1,610,216 alleles (0.00037%); highest among the groups gnomAD compares: Admixed American, 0.0017%; no homozygotes.

Submission:

Ambry Genetics
Classification: Uncertain significance. Last evaluated: 2024-03-02. Review status: criteria provided, single submitter. Criteria: Ambry Variant Classification Scheme 2023. Collection method: clinical testing. Allele origin: germline.
Comment: The p.A125T variant (also known as c.373G>A), located in coding exon 3 of the POLQ gene, results from a G to A substitution at nucleotide position 373. The alanine at codon 125 is replaced by threonine, an amino acid with similar properties. This amino acid position is conserved. In addition, the in silico prediction for this alteration is inconclusive. Since supporting evidence is limited at this time, the clinical significance of this alteration remains unclear.